The following is an entry in ClinVar:

ClinVar aggregate classification (germline): Benign (1 of 4 stars; one submission).

Conditions:
Familial cancer of breast. Also called: BREAST CANCER, FAMILIAL; Hereditary breast cancer; hereditary breast carcinoma. Identifiers: Orphanet 227535, MedGen C0346153, MONDO:0016419, OMIM 114480. Disease mechanism: loss of function.

Submission:

Myriad Genetics, Inc.
Classification: Benign for Familial cancer of breast. Last evaluated: 2024-05-15. Review status: criteria provided, single submitter. Criteria: Myriad Autosomal Dominant, Autosomal Recessive and X-Linked Classification Criteria (2023). Collection method: clinical testing. Allele origin: unknown.
Comment: This variant is considered benign. This variant is a silent/synonymous amino acid change and it is not expected to impact splicing.

NM_000051.4(ATM):c.3825T>C (p.Ile1275=)

Gene: ATM (ATM serine/threonine kinase; plus strand). Cytogenetic location: 11q22.3.
Variant type: single nucleotide variant.
Coding change: c.3825T>C on transcript NM_000051.4 (MANE Select); coding-DNA position 3825, T replaced by C.
Protein change: p.Ile1275=; no amino-acid change (isoleucine 1275 retained).
Molecular consequence: synonymous variant.
Genome position (GRCh38, 1-based): chr11:108,284,305, T>C. VCF-style: chr11-108284305-T-C. GRCh37 (hg19) VCF-style: chr11-108155032-T-C.
Other names: c.3825T>C, p.Ile1275= (NM_001351834.2).
Identifiers: ClinVar variation 3254455 (VCV003254455.1), dbSNP rs2546886458.